The following is an entry in ClinVar:

NM_032608.7(MYO18B):c.1879_1885delinsT (p.Gly627_Arg629delinsTrp)

Gene: MYO18B (myosin XVIIIB; plus strand). Cytogenetic location: 22q12.1.
Variant type: Indel.
Coding change: c.1879_1885delinsT on transcript NM_032608.7 (MANE Select); coding-DNA positions 1879 to 1885, GGCCGCC replaced by T.
Protein change: p.Gly627_Arg629delinsTrp.
Molecular consequence: inframe indel.
Genome position (GRCh38, 1-based): chr22:25,777,592-25,777,598, GGCCGCC replaced by T. VCF-style: chr22-25777592-GGCCGCC-T. GRCh37 (hg19) VCF-style: chr22-26173559-GGCCGCC-T.
Other names: c.1879_1885delinsT, p.Gly627_Arg629delinsTrp (NM_001318245.2).
Identifiers: ClinVar variation 2430500 (VCV002430500.3), dbSNP rs2517715177, ClinGen allele CA2580099296.

ClinVar aggregate classification (germline): Uncertain significance. Review status: criteria provided, multiple submitters, no conflicts (2 of 4 stars). 2 submissions from 2 submitters: Uncertain significance (2). Last evaluated 2026-06-25.

Conditions:
Klippel-Feil anomaly-myopathy-facial dysmorphism syndrome. Also called: Klippel-feil syndrome 4, autosomal recessive, with nemaline myopathy and facial dysmorphism; Klippel-Feil syndrome 4, autosomal recessive, with myopathy and facial dysmorphism. Identifiers: Orphanet 447974, MedGen C4225285, MONDO:0014689, OMIM 616549.

Submissions (2):

GeneDx
Classification: Uncertain significance. Last evaluated: 2026-06-25. Review status: criteria provided, single submitter. Criteria: GeneDx Variant Classification Process June 2021. Collection method: clinical testing. Allele origin: germline.
Comment: Not observed at significant frequency in large population cohorts (gnomAD); In-frame deletion of 3 amino acids and insertion of 1 amino acid in a non-repeat region; In silico analysis suggests that this variant does not alter protein structure/function; Has not been previously published as pathogenic or benign to our knowledge

Revvity Omics, Revvity
Classification: Uncertain significance for Klippel-Feil anomaly-myopathy-facial dysmorphism syndrome. Last evaluated: 2024-08-06. Review status: criteria provided, single submitter. Criteria: ACMG Guidelines, 2015. Collection method: clinical testing. Allele origin: germline.